The following is an entry in ClinVar:

NM_001098486.2(SLC17A3):c.835G>A (p.Gly279Arg)

Gene: SLC17A3 (solute carrier family 17 member 3; minus strand). Cytogenetic location: 6p22.2.
Variant type: single nucleotide variant.
Coding change: c.835G>A on transcript NM_001098486.2 (MANE Select); coding-DNA position 835, G replaced by A.
Protein change: p.Gly279Arg; replaces glycine 279 with arginine.
Molecular consequence: missense variant.
Genome position (GRCh38, 1-based): chr6:25,850,617, C>T on the plus strand (G>A on the coding strand, the complement: SLC17A3 is on the minus strand). VCF-style: chr6-25850617-C-T. GRCh37 (hg19) VCF-style: chr6-25850845-C-T.
Other names: NC_000006.11:g.25850845C>T; c.601G>A, p.Gly201Arg (NM_006632.4); short protein forms G201R, G279R.
Identifiers: ClinVar variation 3057092 (VCV003057092.3), dbSNP rs56027330, ClinGen allele CA3663042.

ClinVar aggregate classification (germline): Benign (0 of 4 stars; one submission).

Conditions:
SLC17A3-related disorder. Also called: SLC17A3-related condition.

Allele frequency attached by ClinVar (database versions not stated): 1000 Genomes Project 30x 0.06871; 1000 Genomes Project 0.06949; TOPMed 0.08257; gnomAD 0.08997; ESP Exome Variant Server 0.09426; ExAC 0.10569; gnomAD exomes 0.11478.
gnomAD v4.1: 181,034 of 1,613,334 alleles (11%); highest among the groups gnomAD compares: Middle Eastern, 13%; 11,020 homozygotes.

Submissions (9):

PreventionGenetics, part of Exact Sciences
Classification: Benign for SLC17A3-related condition. Last evaluated: 2019-11-26. Review status: no assertion criteria provided. Collection method: clinical testing. Allele origin: germline.
Comment: This variant is classified as benign based on ACMG/AMP sequence variant interpretation guidelines (Richards et al. 2015 PMID: 25741868, with internal and published modifications).

Dr. Peter K. Rogan Lab, Western University
No classification provided (evidence only). Condition: Thymoma. Review status: no classification provided. Collection method: in vitro. Allele origin: not applicable. Functional consequence: retained intron. Not counted in ClinVar's aggregate classification.

Dr. Peter K. Rogan Lab, Western University
No classification provided (evidence only). Condition: Thymoma. Review status: no classification provided. Collection method: in vitro. Allele origin: not applicable. Functional consequence: retained intron. Not counted in ClinVar's aggregate classification.

Dr. Peter K. Rogan Lab, Western University
No classification provided (evidence only). Condition: Cholangiocarcinoma. Review status: no classification provided. Collection method: in vitro. Allele origin: not applicable. Functional consequence: skipped exon, retained intron. Not counted in ClinVar's aggregate classification.

Dr. Peter K. Rogan Lab, Western University
No classification provided (evidence only). Condition: Cholangiocarcinoma. Review status: no classification provided. Collection method: in vitro. Allele origin: not applicable. Functional consequence: retained intron. Not counted in ClinVar's aggregate classification.

Dr. Peter K. Rogan Lab, Western University
No classification provided (evidence only). Condition: Cholangiocarcinoma. Review status: no classification provided. Collection method: in vitro. Allele origin: not applicable. Functional consequence: retained intron. Not counted in ClinVar's aggregate classification.

Dr. Peter K. Rogan Lab, Western University
No classification provided (evidence only). Condition: Cholangiocarcinoma. Review status: no classification provided. Collection method: in vitro. Allele origin: not applicable. Functional consequence: retained intron. Not counted in ClinVar's aggregate classification.

Dr. Peter K. Rogan Lab, Western University
No classification provided (evidence only). Condition: Cholangiocarcinoma. Review status: no classification provided. Collection method: in vitro. Allele origin: not applicable. Functional consequence: retained intron. Not counted in ClinVar's aggregate classification.

Dr. Peter K. Rogan Lab, Western University
No classification provided (evidence only). Condition: Adrenocortical carcinoma, hereditary. Review status: no classification provided. Collection method: in vitro. Allele origin: not applicable. Functional consequence: retained intron. Not counted in ClinVar's aggregate classification.